The following is an entry in ClinVar:

NM_020765.3(UBR4):c.529G>T (p.Ala177Ser)

Gene: UBR4 (ubiquitin protein ligase E3 component n-recognin 4; minus strand). Cytogenetic location: 1p36.13.
Variant type: single nucleotide variant.
Coding change: c.529G>T on transcript NM_020765.3 (MANE Select); coding-DNA position 529, G replaced by T.
Protein change: p.Ala177Ser; replaces alanine 177 with serine.
Molecular consequence: missense variant.
Genome position (GRCh38, 1-based): chr1:19,198,660, C>A on the plus strand (G>T on the coding strand, the complement: UBR4 is on the minus strand). VCF-style: chr1-19198660-C-A. GRCh37 (hg19) VCF-style: chr1-19525154-C-A.
Other names: short protein forms A177S.
Identifiers: ClinVar variation 782364 (VCV000782364.7), dbSNP rs111928858, ClinGen allele CA651942.
Genomic context (GRCh38, chr1:19,198,660, plus strand): 5'-GCTGGTTCAAAAAATTCATCTGTACCTCCTTTTGCCTCAACTCAGGGCTTACTGGTGAGG[C>A]CAGCTCTTTCTGATCTTCCACTGTAAAATACAAAGGCAAAAAAAAGGGCTGAGGAAAGTG-3'
Protein context (NP_065816.2, residues 167-187): LSDVEDQKEL[Ala177Ser]SPVSPELRQK

ClinVar aggregate classification (germline): Benign. Review status: criteria provided, multiple submitters, no conflicts (2 of 4 stars). 3 submissions from 3 submitters: Benign (2). 1 of the submissions does not count toward it. Last evaluated 2019-12-31.

Conditions:
UBR4-related disorder. Also called: UBR4-related condition.

Allele frequency attached by ClinVar (database versions not stated): gnomAD 0.00848; TOPMed 0.00982; 1000 Genomes Project 30x 0.01171; ESP Exome Variant Server 0.01215; 1000 Genomes Project 0.01218.
gnomAD v4.1: 2,748 of 1,614,112 alleles (0.17%); highest among the groups gnomAD compares: African/African-American, 3.2%; 44 homozygotes.

Submissions (3):

Labcorp Genetics (formerly Invitae), Labcorp
Classification: Benign. Last evaluated: 2019-12-31. Review status: criteria provided, single submitter. Criteria: Invitae Variant Classification Sherloc (09022015). Collection method: clinical testing. Allele origin: germline.

Breakthrough Genomics
Classification: Benign. Review status: criteria provided, single submitter. Criteria: ACMG Guidelines, 2015. Collection method: not provided. Allele origin: germline. Inheritance: Unknown mechanism. Affected: yes.

PreventionGenetics, part of Exact Sciences
Classification: Benign for UBR4-related condition. Last evaluated: 2019-06-07. Review status: no assertion criteria provided. Collection method: clinical testing. Allele origin: germline. Not counted in ClinVar's aggregate classification.
Comment: This variant is classified as benign based on ACMG/AMP sequence variant interpretation guidelines (Richards et al. 2015 PMID: 25741868, with internal and published modifications).